The following is an entry in ClinVar:

NM_001379291.1(BRD4):c.285T>A (p.Pro95=)

Gene: BRD4 (bromodomain containing 4; minus strand). Cytogenetic location: 19p13.12.
Variant type: single nucleotide variant.
Coding change: c.285T>A on transcript NM_001379291.1 (MANE Select); coding-DNA position 285, T replaced by A.
Protein change: p.Pro95=; no amino-acid change (proline 95 retained).
Molecular consequence: synonymous variant.
Genome position (GRCh38, 1-based): chr19:15,272,815, A>T on the plus strand (T>A on the coding strand, the complement: BRD4 is on the minus strand). VCF-style: chr19-15272815-A-T. GRCh37 (hg19) VCF-style: chr19-15383626-A-T.
Other names: c.285T>A, p.Pro95= (NM_001330384.2, NM_001379292.1, NM_014299.3 and 1 more transcripts).
Identifiers: ClinVar variation 2770718 (VCV002770718.3), dbSNP rs2047603256, ClinGen allele CA506078891.

ClinVar aggregate classification (germline): Uncertain significance (1 of 4 stars; one submission).

Submission:

Labcorp Genetics (formerly Invitae), Labcorp
Classification: Uncertain significance. Last evaluated: 2023-10-22. Review status: criteria provided, single submitter. Criteria: Invitae Variant Classification Sherloc (09022015). Collection method: clinical testing. Allele origin: germline.
Comment: This sequence change affects codon 95 of the BRD4 mRNA. It is a 'silent' change, meaning that it does not change the encoded amino acid sequence of the BRD4 protein. It affects a nucleotide within the consensus splice site. This variant is not present in population databases (gnomAD no frequency). This variant has not been reported in the literature in individuals affected with BRD4-related conditions. Algorithms developed to predict the effect of sequence changes on RNA splicing suggest that this variant is not likely to affect RNA splicing. In summary, the available evidence is currently insufficient to determine the role of this variant in disease. Therefore, it has been classified as a Variant of Uncertain Significance.